The following is an entry in ClinVar:

NM_007194.4(CHEK2):c.319+3914_319+3916del

Gene: CHEK2 (checkpoint kinase 2; minus strand). Cytogenetic location: 22q12.1.
Variant type: Microsatellite.
Coding change: c.319+3914_319+3916del on transcript NM_007194.4 (MANE Select); bases 3914 to 3916 of the intron after coding-DNA position 319, 3 bases deleted (CCT; older notation c.319+3914_319+3916delCCT).
Molecular consequence: intron variant. On other transcripts: inframe deletion (4).
Genome position (GRCh38, 1-based): chr22:28,730,487-28,730,489, AGG deleted on the plus strand (CCT on the coding strand, the reverse complement: CHEK2 is on the minus strand); deleting any 3 consecutive bases within chr22:28,730,487-28,730,493 gives the same sequence; the c. name uses the placement nearest the transcript's 3' end. VCF-style (leftmost placement, unchanged base first): chr22-28730486-CAGG-C. GRCh37 (hg19) VCF-style: chr22-29126474-CAGG-C.
Other names: c.376CCT[1], p.Pro127del (NM_001005735.3, NM_001438293.1, NM_001438294.1 and 1 more transcripts); c.-344-5122_-344-5120del (NM_001437942.1); c.319+3914_319+3916del (NM_001349956.3, NM_145862.3); c.-459+3914_-459+3916del (NM_001257387.3); short protein forms P127del.
Identifiers: ClinVar variation 4988503 (VCV004988503.1).

ClinVar aggregate classification (germline): Uncertain significance (1 of 4 stars; one submission).

Conditions:
CHEK2-related disorder.

Submission:

PreventionGenetics, part of Exact Sciences
Classification: Uncertain significance for CHEK2-related condition. Last evaluated: 2025-07-14. Review status: criteria provided, single submitter. Criteria: ACMG Guidelines, 2015. Collection method: clinical testing. Allele origin: germline.
Comment: The CHEK2 c.379_381delCCT variant is predicted to result in an in-frame deletion (p.Pro127del). This variant is also known as c.319+3914_319+3916delCCT (Intronic) on an alternate transcript NM_007194.3. To our knowledge, this variant has not been reported in the literature. This variant is reported in 1 of ~128,000 alleles in gnomAD. At the time of reporting, this variant was not classified in ClinVar. At this time, the clinical significance of this variant is uncertain due to the absence of conclusive functional and genetic evidence.